The following is an entry in ClinVar:

ClinVar aggregate classification (germline): Conflicting classifications of pathogenicity. Review status: criteria provided, conflicting classifications (1 of 4 stars). 2 submissions from 2 submitters: Uncertain significance (1); Likely benign (1). Last evaluated 2023-03-23.

Conditions:
Hereditary cancer-predisposing syndrome. Also called: Hereditary Cancer Syndrome; Hereditary neoplastic syndrome; Neoplastic Syndromes, Hereditary; Tumor predisposition. Identifiers: Orphanet 140162, MedGen C0027672, MeSH D009386, MONDO:0015356.

Submissions (2):

University of Washington Department of Laboratory Medicine, University of Washington
Classification: Likely benign for Hereditary cancer-predisposing syndrome. Last evaluated: 2023-03-23. Review status: criteria provided, single submitter. Criteria: Dines et al. (Genet Med. 2020). Collection method: curation. Allele origin: germline.
Comment: Missense variant in a coldspot region where missense variants are very unlikely to be pathogenic (PMID:31911673).

BRCA2 exon 11 coldspot. Reclassification based on statistical prior probability.

Ambry Genetics
Classification: Uncertain significance for Hereditary cancer-predisposing syndrome. Last evaluated: 2022-02-13. Review status: criteria provided, single submitter. Criteria: Ambry Variant Classification Scheme 2023. Collection method: clinical testing. Allele origin: germline.
Comment: The p.T1557N variant (also known as c.4670C>A), located in coding exon 10 of the BRCA2 gene, results from a C to A substitution at nucleotide position 4670. The threonine at codon 1557 is replaced by asparagine, an amino acid with similar properties. This amino acid position is conserved. In addition, this alteration is predicted to be tolerated by in silico analysis. Since supporting evidence is limited at this time, the clinical significance of this alteration remains unclear.

NM_000059.4(BRCA2):c.4670C>A (p.Thr1557Asn)

Gene: BRCA2 (BRCA2 DNA repair associated; plus strand). Cytogenetic location: 13q13.1.
Variant type: single nucleotide variant.
Coding change: c.4670C>A on transcript NM_000059.4 (MANE Select); coding-DNA position 4670, C replaced by A.
Protein change: p.Thr1557Asn; replaces threonine 1557 with asparagine.
Molecular consequence: missense variant.
Genome position (GRCh38, 1-based): chr13:32,339,025, C>A. VCF-style: chr13-32339025-C-A. GRCh37 (hg19) VCF-style: chr13-32913162-C-A.
Other names: c.4670C>A, p.Thr1557Asn (NM_001406719.1, NM_001406720.1); short protein forms T1557N.
Identifiers: ClinVar variation 1742320 (VCV001742320.4), dbSNP rs80358698, ClinGen allele CA387782780.